The following is an entry in ClinVar:

ClinVar aggregate classification (germline): Uncertain significance (1 of 4 stars; one submission).

Submission:

GeneDx
Classification: Uncertain significance. Last evaluated: 2024-06-17. Review status: criteria provided, single submitter. Criteria: GeneDx Variant Classification Process June 2021. Collection method: clinical testing. Allele origin: germline. Affected: yes.
Comment: Not observed at significant frequency in large population cohorts (gnomAD); In silico analysis supports that this missense variant has a deleterious effect on protein structure/function; Has not been previously published as pathogenic or benign to our knowledge

NM_001365536.1(SCN9A):c.62C>A (p.Ala21Asp)

Gene: SCN9A (sodium voltage-gated channel alpha subunit 9; minus strand). Cytogenetic location: 2q24.3.
Variant type: single nucleotide variant.
Coding change: c.62C>A on transcript NM_001365536.1 (MANE Select); coding-DNA position 62, C replaced by A.
Protein change: p.Ala21Asp; replaces alanine 21 with aspartic acid.
Molecular consequence: missense variant.
Genome position (GRCh38, 1-based): chr2:166,311,695, G>T on the plus strand (C>A on the coding strand, the complement: SCN9A is on the minus strand). VCF-style: chr2-166311695-G-T. GRCh37 (hg19) VCF-style: chr2-167168205-G-T.
Other names: c.62C>A, p.Ala21Asp (NM_002977.4); short protein forms A21D.
Identifiers: ClinVar variation 3391499 (VCV003391499.1).